The following is an entry in ClinVar:

ClinVar aggregate classification (germline): Pathogenic/Likely pathogenic. Review status: criteria provided, multiple submitters, no conflicts (2 of 4 stars). 6 submissions from 6 submitters: Pathogenic (5); Likely pathogenic (1). Last evaluated 2024-09-03.

Conditions:
Ataxia-telangiectasia syndrome (AT). Also called: Ataxia telangiectasia (A-T); Cerebello-oculocutaneous telangiectasia; Immunodeficiency with ataxia telangiectasia; ATAXIA-TELANGIECTASIA, COMPLEMENTATION GROUP A; ATAXIA-TELANGIECTASIA, FRESNO VARIANT; Ataxia-telangiectasia. Identifiers: Orphanet 100, MedGen C0004135, MONDO:0008840, OMIM 208900.
Familial cancer of breast. Also called: hereditary breast carcinoma; Hereditary breast cancer; BREAST CANCER, FAMILIAL. Identifiers: Orphanet 227535, MedGen C0346153, MONDO:0016419, OMIM 114480. Disease mechanism: loss of function.
ATM-related disorder. Also called: ATM-related disorders; ATM-related condition.
Hereditary cancer-predisposing syndrome. Also called: Tumor predisposition; Neoplastic Syndromes, Hereditary; Hereditary Cancer Syndrome; Hereditary neoplastic syndrome. Identifiers: Orphanet 140162, MedGen C0027672, MeSH D009386, MONDO:0015356.

Submissions (6):

Labcorp Genetics (formerly Invitae), Labcorp
Classification: Pathogenic for Ataxia-telangiectasia syndrome. Last evaluated: 2024-09-03. Review status: criteria provided, single submitter. Criteria: Invitae Variant Classification Sherloc (09022015). Collection method: clinical testing. Allele origin: germline.
Comment: This sequence change creates a premature translational stop signal (p.Ser644Argfs*2) in the ATM gene. It is expected to result in an absent or disrupted protein product. Loss-of-function variants in ATM are known to be pathogenic (PMID: 23807571, 25614872). This variant is not present in population databases (gnomAD no frequency). This variant has not been reported in the literature in individuals affected with ATM-related conditions. ClinVar contains an entry for this variant (Variation ID: 220196). For these reasons, this variant has been classified as Pathogenic.

Myriad Genetics, Inc.
Classification: Pathogenic for Familial cancer of breast. Last evaluated: 2024-01-17. Review status: criteria provided, single submitter. Criteria: Myriad Autosomal Dominant, Autosomal Recessive and X-Linked Classification Criteria (2023). Collection method: clinical testing. Allele origin: unknown.
Comment: This variant is considered pathogenic. This variant creates a frameshift predicted to result in premature protein truncation.

Blueprint Genetics
Classification: Likely pathogenic for ATM-related disorders. Last evaluated: 2023-06-22. Review status: criteria provided, single submitter. Criteria: ACMG Guidelines, 2015. Collection method: clinical testing. Allele origin: germline. Affected: yes. Observed: 1 variant allele.

Ambry Genetics
Classification: Pathogenic for Hereditary cancer-predisposing syndrome. Last evaluated: 2022-08-17. Review status: criteria provided, single submitter. Criteria: Ambry Variant Classification Scheme 2023. Collection method: clinical testing. Allele origin: germline.
Comment: The c.1914_1929dup16 variant, located in coding exon 12 of the ATM gene, results from a duplication of AGATAAAGAAGAACTT at nucleotide position 1914, causing a translational frameshift with a predicted alternate stop codon (p.S644Rfs*2). This alteration is expected to result in loss of function by premature protein truncation or nonsense-mediated mRNA decay. As such, this alteration is interpreted as a disease-causing mutation.

Color Diagnostics, LLC DBA Color Health
Classification: Pathogenic for Hereditary cancer-predisposing syndrome. Last evaluated: 2020-04-20. Review status: criteria provided, single submitter. Criteria: ACMG Guidelines, 2015. Collection method: clinical testing. Allele origin: germline.
Comment: This variant inserts 16 nucleotides in exon 13 of the ATM gene, creating a frameshift and premature translation stop signal. This variant is expected to result in an absent or non-functional protein product. To our knowledge, this variant has not been reported in individuals affected with hereditary cancer in the literature. This variant has not been identified in the general population by the Genome Aggregation Database (gnomAD). Loss of ATM function is a known mechanism of disease. Based on the available evidence, this variant is classified as Pathogenic.

GeneDx
Classification: Pathogenic. Last evaluated: 2018-03-15. Review status: criteria provided, single submitter. Criteria: GeneDx Variant Classification (06012015). Collection method: clinical testing. Allele origin: germline. Affected: yes.
Comment: The c.1914_1929dup16 pathogenic variant in the ATM gene has not been reported previously as a pathogenic variant, nor as a benign variant, to our knowledge. The c.1914_1929dup16 variant causes a frameshift starting with codon Serine 644, changes this amino acid to a Arginine residue, and creates a premature Stop codon at position 2 of the new reading frame, denoted p.Ser644ArgfsX2. This variant is predicted to cause loss of normal protein function either through protein truncation or nonsense-mediated mRNA decay. The c.1914_1929dup16 variant is not observed in large population cohorts (Lek et al., 2016). We interpret c.1914_1929dup16 as a pathogenic variant.

Literature cited by the submitters: PubMed 23807571 (cited by Labcorp Genetics (formerly Invitae), Labcorp); PubMed 25614872 (cited by Labcorp Genetics (formerly Invitae), Labcorp).

NM_000051.4(ATM):c.1914_1929dup (p.Ser644delinsArgTer)

Gene: ATM (ATM serine/threonine kinase; plus strand). Cytogenetic location: 11q22.3.
Variant type: Duplication.
Coding change: c.1914_1929dup on transcript NM_000051.4 (MANE Select); coding-DNA positions 1914 to 1929, 16 bases duplicated (AGATAAAGAAGAACTT).
Protein change: p.Ser644delinsArgTer.
Molecular consequence: nonsense.
Genome position (GRCh38, 1-based): chr11:108,253,829-108,253,844, AGATAAAGAAGAACTT duplicated. VCF-style (leftmost placement, unchanged base first): chr11-108253828-A-AAGATAAAGAAGAACTT. GRCh37 (hg19) VCF-style: chr11-108124555-A-AAGATAAAGAAGAACTT.
Other names: c.1914_1929dupAGATAAAGAAGAACTT (NM_000051.3); c.1914_1929dup16 (NM_000051.3); c.1914_1929dup, p.Ser644delinsArgTer (NM_001351834.2).
Identifiers: ClinVar variation 220196 (VCV000220196.16), dbSNP rs864622415, ClinGen allele CA350744.
Genomic context (GRCh38, chr11:108,253,828, plus strand): 5'-GCATTAGGTACTTGGTTTATATATTAAAGATCTTACTTTCTTGAAGTGAACACCACCAAA[A>AAGATAAAGAAGAACTT]AGATAAAGAAGAACTTTCATTCTCAGAAGTAGAAGAACTATTTCTTCAGACAACTTTTGA-3'